The following is an entry in ClinVar:

ClinVar aggregate classification (germline): Uncertain significance (1 of 4 stars; one submission).

gnomAD v4.1: 1 of 1,613,646 alleles (0.000062%); highest among the groups gnomAD compares: Admixed American, 0.0017%; no homozygotes.

Submission:

Labcorp Genetics (formerly Invitae), Labcorp
Classification: Uncertain significance. Last evaluated: 2024-03-31. Review status: criteria provided, single submitter. Criteria: Invitae Variant Classification Sherloc (09022015). Collection method: clinical testing. Allele origin: germline.
Comment: This sequence change replaces tyrosine, which is neutral and polar, with histidine, which is basic and polar, at codon 1000 of the NBAS protein (p.Tyr1000His). This variant is present in population databases (no rsID available, gnomAD 0.003%). This variant has not been reported in the literature in individuals affected with NBAS-related conditions. Advanced modeling of protein sequence and biophysical properties (such as structural, functional, and spatial information, amino acid conservation, physicochemical variation, residue mobility, and thermodynamic stability) performed at Invitae indicates that this missense variant is not expected to disrupt NBAS protein function with a negative predictive value of 80%. In summary, the available evidence is currently insufficient to determine the role of this variant in disease. Therefore, it has been classified as a Variant of Uncertain Significance.

NM_015909.4(NBAS):c.2998T>C (p.Tyr1000His)

Gene: NBAS (NBAS subunit of NRZ tethering complex; minus strand). Cytogenetic location: 2p24.3.
Variant type: single nucleotide variant.
Coding change: c.2998T>C on transcript NM_015909.4 (MANE Select); coding-DNA position 2998, T replaced by C.
Protein change: p.Tyr1000His; replaces tyrosine 1000 with histidine.
Molecular consequence: missense variant. On other transcripts: non-coding transcript variant (1).
Genome position (GRCh38, 1-based): chr2:15,402,241, A>G on the plus strand (T>C on the coding strand, the complement: NBAS is on the minus strand). VCF-style: chr2-15402241-A-G. GRCh37 (hg19) VCF-style: chr2-15542365-A-G.
Other names: short protein forms Y1000H.
Identifiers: ClinVar variation 3648268 (VCV003648268.2).